The following is an entry in ClinVar:

ClinVar aggregate classification (germline): Uncertain significance. Review status: criteria provided, multiple submitters, no conflicts (2 of 4 stars). 2 submissions from 2 submitters: Uncertain significance (2). Last evaluated 2024-09-16.

Conditions:
Ehlers-Danlos syndrome, spondylodysplastic type, 2 (EDSSPD2). Also called: Ehlers-Danlos syndrome, progeroid type, 2. Identifiers: Orphanet 536467, Orphanet 75496, MedGen C3809210, MONDO:0014139, OMIM 615349.
Spondyloepimetaphyseal dysplasia with joint laxity (SEMDJL). Identifiers: MedGen C0432243, MONDO:0019675.

Allele frequency attached by ClinVar (database versions not stated): gnomAD exomes 0.00001; TOPMed 0.00005; gnomAD 0.00006.

Submissions (2):

GeneDx
Classification: Uncertain significance. Last evaluated: 2024-09-16. Review status: criteria provided, single submitter. Criteria: GeneDx Variant Classification Process June 2021. Collection method: clinical testing. Allele origin: germline. Affected: yes.
Comment: In silico analysis indicates that this missense variant does not alter protein structure/function; Has not been previously published as pathogenic or benign to our knowledge

Labcorp Genetics (formerly Invitae), Labcorp
Classification: Uncertain significance for Ehlers-Danlos syndrome, spondylodysplastic type, 2; Spondyloepimetaphyseal dysplasia with joint laxity. Last evaluated: 2023-12-06. Review status: criteria provided, single submitter. Criteria: Invitae Variant Classification Sherloc (09022015). Collection method: clinical testing. Allele origin: germline.
Comment: This sequence change replaces glycine, which is neutral and non-polar, with serine, which is neutral and polar, at codon 17 of the B3GALT6 protein (p.Gly17Ser). This variant is present in population databases (no rsID available, gnomAD 0.02%). This variant has not been reported in the literature in individuals affected with B3GALT6-related conditions. ClinVar contains an entry for this variant (Variation ID: 1723672). Algorithms developed to predict the effect of missense changes on protein structure and function output the following: SIFT: "Not Available"; PolyPhen-2: "Benign"; Align-GVGD: "Not Available". The serine amino acid residue is found in multiple mammalian species, which suggests that this missense change does not adversely affect protein function. In summary, the available evidence is currently insufficient to determine the role of this variant in disease. Therefore, it has been classified as a Variant of Uncertain Significance.

NM_080605.4(B3GALT6):c.49G>A (p.Gly17Ser)

Gene: B3GALT6 (beta-1,3-galactosyltransferase 6; plus strand). Cytogenetic location: 1p36.33.
Variant type: single nucleotide variant.
Coding change: c.49G>A on transcript NM_080605.4 (MANE Select); coding-DNA position 49, G replaced by A.
Protein change: p.Gly17Ser; replaces glycine 17 with serine.
Molecular consequence: missense variant.
Genome position (GRCh38, 1-based): chr1:1,232,327, G>A. VCF-style: chr1-1232327-G-A. GRCh37 (hg19) VCF-style: chr1-1167707-G-A.
Other names: short protein forms G17S.
Identifiers: ClinVar variation 1723672 (VCV001723672.4), dbSNP rs933320998, ClinGen allele CA16755078.